The following is an entry in ClinVar:

NM_000092.5(COL4A4):c.-1G>A

Gene: COL4A4 (collagen type IV alpha 4 chain; minus strand). Cytogenetic location: 2q36.3.
Variant type: single nucleotide variant.
Coding change: c.-1G>A on transcript NM_000092.5 (MANE Select); 1 bases upstream of the start codon, G replaced by A.
Molecular consequence: 5 prime UTR variant.
Genome position (GRCh38, 1-based): chr2:227,147,484, C>T on the plus strand (G>A on the coding strand, the complement: COL4A4 is on the minus strand). VCF-style: chr2-227147484-C-T. GRCh37 (hg19) VCF-style: chr2-228012200-C-T.
Identifiers: ClinVar variation 1305936 (VCV001305936.4), dbSNP rs780102207, ClinGen allele CA2145875.
Genomic context (GRCh38, chr2:227,147,484, plus strand): 5'-GGCCAAGGACTTGGTCAATCTGAAGGAGCACCTCATTAGTACTATGTGCAGAGACCACAT[C>T]GCAGGCAAGTCTTAGTACTTAAAAAATATTCTGCCAGTCTTCTCTTCCAGAAGGTTCTTG-3'

ClinVar aggregate classification (germline): Uncertain significance. Review status: criteria provided, multiple submitters, no conflicts (2 of 4 stars). 3 submissions from 3 submitters: Uncertain significance (3). Last evaluated 2026-06-05.

Conditions:
Autosomal recessive Alport syndrome (ATS2). Also called: COL4A4 Alport Syndrome and Thin Basement Membrane Nephropathy; Alport syndrome type 2; COL4A3-Related Nephropathy; ALPORT SYNDROME 2, AUTOSOMAL RECESSIVE. Identifiers: Orphanet 63, Orphanet 88919, MedGen C4746745, MONDO:0008762, OMIM 203780.
Benign familial hematuria. Also called: thin basement membrane disease. Identifiers: MedGen C0241908, MONDO:0957317.

Allele frequency attached by ClinVar (database versions not stated): gnomAD 0.00002 and 0.00003; ExAC 0.00003; gnomAD exomes 0.00004.
gnomAD v4.1: 56 of 1,613,286 alleles (0.0035%); highest among the groups gnomAD compares: Admixed American, 0.01%; no homozygotes.

Submissions (3):

Women's Health and Genetics/Laboratory Corporation of America, LabCorp
Classification: Uncertain significance. Last evaluated: 2026-06-05. Review status: criteria provided, single submitter. Criteria: LabCorp Variant Classification Summary - May 2015. Collection method: clinical testing. Allele origin: germline.

Fulgent Genetics
Classification: Uncertain significance for Hematuria, benign familial, 1; Autosomal recessive Alport syndrome. Last evaluated: 2022-02-09. Review status: criteria provided, single submitter. Criteria: ACMG Guidelines, 2015. Collection method: clinical testing. Allele origin: unknown.

GeneDx
Classification: Uncertain significance. Last evaluated: 2019-05-24. Review status: criteria provided, single submitter. Criteria: GeneDx Variant Classification Process June 2021. Collection method: clinical testing. Allele origin: germline. Affected: yes.
Comment: Has not been previously published as pathogenic or benign to our knowledge; In silico analysis, which includes splice predictors and evolutionary conservation, supports that this variant does not alter protein structure/function; the position is conserved in mammals; in the absence of RNA/functional studies, the actual effect of this sequence change is unknown